The following is an entry in ClinVar:

ClinVar aggregate classification (germline): Benign/Likely benign. Review status: criteria provided, multiple submitters, no conflicts (2 of 4 stars). 5 submissions from 5 submitters: Benign (2); Likely benign (2). 1 of the submissions does not count toward it. Last evaluated 2026-08-18.

Conditions:
DICER1-related tumor predisposition. Also called: DICER1 syndrome; DICER1-related pleuropulmonary blastoma cancer predisposition syndrome. Identifiers: Orphanet 284343, MedGen C3839822, MONDO:0100216.
Hereditary cancer-predisposing syndrome. Also called: Tumor predisposition; Neoplastic Syndromes, Hereditary; Hereditary Cancer Syndrome; Hereditary neoplastic syndrome. Identifiers: Orphanet 140162, MedGen C0027672, MeSH D009386, MONDO:0015356.
Pleuropulmonary blastoma (PPB). Identifiers: Orphanet 64742, MedGen C1266144, MONDO:0011014, OMIM 601200, HP:0100528.
DICER1-related disorder. Also called: DICER1-related condition.

Allele frequency attached by ClinVar (database versions not stated): gnomAD exomes below 0.00001; gnomAD 0.00001; ExAC 0.00001.
gnomAD v4.1: 5 of 1,605,358 alleles (0.00031%); highest among the groups gnomAD compares: African/African-American, 0.004%; no homozygotes.

Submissions (5):

Myriad Genetics, Inc.
Classification: Benign for DICER1-related tumor predisposition. Last evaluated: 2026-08-18. Review status: criteria provided, single submitter. Criteria: Myriad Autosomal Dominant, Autosomal Recessive and X-Linked Classification Criteria (2023). Collection method: clinical testing. Allele origin: unknown.
Comment: This variant is considered benign. This variant is a silent/synonymous amino acid change and it is not expected to impact splicing.

Labcorp Genetics (formerly Invitae), Labcorp
Classification: Likely benign for DICER1-related tumor predisposition. Last evaluated: 2026-01-01. Review status: criteria provided, single submitter. Criteria: Invitae Variant Classification Sherloc (09022015). Collection method: clinical testing. Allele origin: germline.

KCCC/NGS Laboratory, Kuwait Cancer Control Center
Classification: Benign for Pleuropulmonary blastoma. Last evaluated: 2025-02-01. Review status: criteria provided, single submitter. Criteria: ACMG Guidelines, 2015. Collection method: clinical testing. Allele origin: germline. Affected: no.

Ambry Genetics
Classification: Likely benign for Hereditary cancer-predisposing syndrome. Last evaluated: 2019-02-12. Review status: criteria provided, single submitter. Criteria: Ambry Variant Classification Scheme 2023. Collection method: clinical testing. Allele origin: germline.

PreventionGenetics, part of Exact Sciences
Classification: Likely benign for DICER1-related condition. Last evaluated: 2024-09-04. Review status: no assertion criteria provided. Collection method: clinical testing. Allele origin: germline. Not counted in ClinVar's aggregate classification.
Comment: This variant is classified as likely benign based on ACMG/AMP sequence variant interpretation guidelines (Richards et al. 2015 PMID: 25741868, with internal and published modifications).

NM_177438.3(DICER1):c.801T>C (p.Tyr267=)

Gene: DICER1 (dicer 1, ribonuclease III; minus strand). Cytogenetic location: 14q32.13.
Variant type: single nucleotide variant.
Coding change: c.801T>C on transcript NM_177438.3 (MANE Select); coding-DNA position 801, T replaced by C.
Protein change: p.Tyr267=; no amino-acid change (tyrosine 267 retained).
Molecular consequence: synonymous variant.
Genome position (GRCh38, 1-based): chr14:95,126,682, A>G on the plus strand (T>C on the coding strand, the complement: DICER1 is on the minus strand). VCF-style: chr14-95126682-A-G. GRCh37 (hg19) VCF-style: chr14-95593019-A-G.
Other names: c.801T>C, p.Tyr267= (NM_001195573.1, NM_001271282.3, NM_001291628.2 and 1 more transcripts).
Identifiers: ClinVar variation 477289 (VCV000477289.20), dbSNP rs748703376, ClinGen allele CA7331566.
Genomic context (GRCh38, chr14:95,126,682, plus strand): 5'-AGATATATTACAATCATTGATAAAATTAAGTGCTTCTTCTAATTCCATCAGCAGTCTTTC[A>G]TAAAGCCCACTTCTGTCAGTAAATGGTCCACAATCCACCACAATCTCACATGGCTGAGAA-3'
Protein context (NP_803187.1, residues 257-277): CGPFTDRSGL[Tyr267=]ERLLMELEEA